The following is an entry in ClinVar:

NM_002734.5(PRKAR1A):c.868G>A (p.Asp290Asn)

Gene: PRKAR1A (protein kinase cAMP-dependent type I regulatory subunit alpha; plus strand). Cytogenetic location: 17q24.2.
Variant type: single nucleotide variant.
Coding change: c.868G>A on transcript NM_002734.5 (MANE Select); coding-DNA position 868, G replaced by A.
Protein change: p.Asp290Asn; replaces aspartic acid 290 with asparagine.
Molecular consequence: missense variant.
Genome position (GRCh38, 1-based): chr17:68,528,968, G>A. VCF-style: chr17-68528968-G-A. GRCh37 (hg19) VCF-style: chr17-66525109-G-A.
Other names: c.868G>A, p.Asp290Asn (NM_001276289.2, NM_001276290.1, NM_001278433.2 and 4 more transcripts); short protein forms D290N.
Identifiers: ClinVar variation 1516423 (VCV001516423.8), dbSNP rs2085879641, ClinGen allele CA400754001.
Genomic context (GRCh38, chr17:68,528,968, plus strand): 5'-GCATTGGAACCAGTGCAGTTTGAAGATGGGCAGAAGATTGTGGTGCAGGGAGAACCAGGG[G>A]ATGAGTTCTTCATTATTTTAGAGGTAAAGAACTCAGAATTTAATACTTGAATTTTAGAGG-3'
Protein context (NP_002725.1, residues 280-300): QKIVVQGEPG[Asp290Asn]EFFIILEGSA

ClinVar aggregate classification (germline): Uncertain significance (1 of 4 stars; one submission).

Conditions:
Carney complex, type 1 (CNC1). Also called: CARNEY COMPLEX, TYPE I; CARNEY MYXOMA-ENDOCRINE COMPLEX. Identifiers: Orphanet 1359, MedGen C2607929, MONDO:0008057, OMIM 160980.

Submission:

Labcorp Genetics (formerly Invitae), Labcorp
Classification: Uncertain significance for Carney complex, type 1. Last evaluated: 2021-03-21. Review status: criteria provided, single submitter. Criteria: Invitae Variant Classification Sherloc (09022015). Collection method: clinical testing. Allele origin: germline.
Comment: In summary, the available evidence is currently insufficient to determine the role of this variant in disease. Therefore, it has been classified as a Variant of Uncertain Significance. Algorithms developed to predict the effect of missense changes on protein structure and function are either unavailable or do not agree on the potential impact of this missense change (SIFT: "Deleterious"; PolyPhen-2: "Benign"; Align-GVGD: "Class C0"). This variant has not been reported in the literature in individuals with PRKAR1A-related conditions. This variant is not present in population databases (ExAC no frequency). This sequence change replaces aspartic acid with asparagine at codon 290 of the PRKAR1A protein (p.Asp290Asn). The aspartic acid residue is highly conserved and there is a small physicochemical difference between aspartic acid and asparagine.